The following is an entry in ClinVar:

NM_173477.5(USH1G):c.491G>C (p.Arg164Pro)

Gene: USH1G (USH1 protein network component sans; minus strand). Cytogenetic location: 17q25.1.
Variant type: single nucleotide variant.
Coding change: c.491G>C on transcript NM_173477.5 (MANE Select); coding-DNA position 491, G replaced by C.
Protein change: p.Arg164Pro; replaces arginine 164 with proline.
Molecular consequence: missense variant.
Genome position (GRCh38, 1-based): chr17:74,920,345, C>G on the plus strand (G>C on the coding strand, the complement: USH1G is on the minus strand). VCF-style: chr17-74920345-C-G. GRCh37 (hg19) VCF-style: chr17-72916440-C-G.
Other names: c.182G>C, p.Arg61Pro (NM_001282489.3); short protein forms R164P, R61P.
Identifiers: ClinVar variation 594587 (VCV000594587.14), dbSNP rs144633924, ClinGen allele CA8754062.

ClinVar aggregate classification (germline): Conflicting classifications of pathogenicity. Review status: criteria provided, conflicting classifications (1 of 4 stars). 4 submissions from 4 submitters: Uncertain significance (2); Benign (1); Likely benign (1). Last evaluated 2024-11-25.

Allele frequency attached by ClinVar (database versions not stated): gnomAD exomes 0.00008; ExAC 0.00011; 1000 Genomes Project 30x 0.00016; 1000 Genomes Project 0.00020; ESP Exome Variant Server 0.00023; TOPMed 0.00039.

Submissions (4):

Blueprint Genetics
Classification: Benign. Last evaluated: 2024-11-25. Review status: criteria provided, single submitter. Criteria: ACMG Guidelines, 2015. Collection method: clinical testing. Allele origin: germline.

Labcorp Genetics (formerly Invitae), Labcorp
Classification: Uncertain significance. Last evaluated: 2024-01-19. Review status: criteria provided, single submitter. Criteria: Invitae Variant Classification Sherloc (09022015). Collection method: clinical testing. Allele origin: germline.
Comment: This sequence change replaces arginine, which is basic and polar, with proline, which is neutral and non-polar, at codon 164 of the USH1G protein (p.Arg164Pro). This variant is present in population databases (rs144633924, gnomAD 0.1%). This variant has not been reported in the literature in individuals affected with USH1G-related conditions. ClinVar contains an entry for this variant (Variation ID: 594587). Advanced modeling of protein sequence and biophysical properties (such as structural, functional, and spatial information, amino acid conservation, physicochemical variation, residue mobility, and thermodynamic stability) performed at Invitae indicates that this missense variant is not expected to disrupt USH1G protein function with a negative predictive value of 80%. In summary, the available evidence is currently insufficient to determine the role of this variant in disease. Therefore, it has been classified as a Variant of Uncertain Significance.

GeneDx
Classification: Likely benign. Last evaluated: 2020-03-11. Review status: criteria provided, single submitter. Criteria: GeneDx Variant Classification Process June 2021. Collection method: clinical testing. Allele origin: germline. Affected: yes.

Eurofins Ntd Llc (ga)
Classification: Uncertain significance. Last evaluated: 2017-11-02. Review status: criteria provided, single submitter. Criteria: EGL Classification Definitions 2015. Collection method: clinical testing. Allele origin: germline. Observed: 1 variant allele, 1 heterozygote.